The following is an entry in ClinVar:

ClinVar aggregate classification (germline): Pathogenic (0 of 4 stars; one submission).

Conditions:
Fanconi anemia complementation group A (FANCA). Also called: Fanconi anemia, group A; FANCA-Related Fanconi Anemia. Identifiers: Orphanet 84, MedGen C3469521, MONDO:0009215, OMIM 227650.

gnomAD v4.1: 2 of 1,526,446 alleles (0.00013%); highest among the groups gnomAD compares: Non-Finnish European, 0.000087%; no homozygotes.

Submission:

Leiden Open Variation Database
Classification: Pathogenic for Fanconi anemia complementation group A. Last evaluated: 2020-02-28. Review status: no assertion criteria provided. Collection method: curation. Allele origin: germline. Affected: yes.
Comment: Curator: Arleen D. Auerbach. Submitter to LOVD: Sue Richards.

Literature cited by the submitters: PubMed 19367192.

NM_000135.4(FANCA):c.14G>A (p.Trp5Ter)

Genes: FANCA (FA complementation group A; minus strand), LOC112486223 (Sharpr-MPRA regulatory region 3988; plus strand). Cytogenetic location: 16q24.3.
Variant type: single nucleotide variant.
Coding change: c.14G>A on transcript NM_000135.4 (MANE Select); coding-DNA position 14, G replaced by A.
Protein change: p.Trp5Ter; replaces tryptophan 5 with a stop codon.
Molecular consequence: nonsense.
Genome position (GRCh38, 1-based): chr16:89,816,602, C>T on the plus strand (G>A on the coding strand, the complement: FANCA is on the minus strand). VCF-style: chr16-89816602-C-T. GRCh37 (hg19) VCF-style: chr16-89883010-C-T.
Other names: c.14G>A, p.Trp5Ter (NM_001018112.3, NM_001286167.3, NM_001351830.2); short protein forms W5*.
Identifiers: ClinVar variation 974185 (VCV000974185.1), dbSNP rs2041143697, ClinGen allele CA397484625.